The following is an entry in ClinVar:

ClinVar aggregate classification (germline): Uncertain significance (1 of 4 stars; one submission).

Allele frequency attached by ClinVar (database versions not stated): gnomAD exomes below 0.00001; gnomAD 0.00001.
gnomAD v4.1: 4 of 1,519,516 alleles (0.00026%); highest among the groups gnomAD compares: African/African-American, 0.0014%; no homozygotes.

Submission:

Labcorp Genetics (formerly Invitae), Labcorp
Classification: Uncertain significance. Last evaluated: 2022-08-23. Review status: criteria provided, single submitter. Criteria: Invitae Variant Classification Sherloc (09022015). Collection method: clinical testing. Allele origin: germline.
Comment: In summary, the available evidence is currently insufficient to determine the role of this variant in disease. Therefore, it has been classified as a Variant of Uncertain Significance. Algorithms developed to predict the effect of missense changes on protein structure and function are either unavailable or do not agree on the potential impact of this missense change (SIFT: "Deleterious"; PolyPhen-2: "Benign"; Align-GVGD: "Class C0"). ClinVar contains an entry for this variant (Variation ID: 1347555). This variant has not been reported in the literature in individuals affected with RELB-related conditions. This variant is not present in population databases (gnomAD no frequency). This sequence change replaces threonine, which is neutral and polar, with proline, which is neutral and non-polar, at codon 14 of the RELB protein (p.Thr14Pro).

NM_006509.4(RELB):c.40A>C (p.Thr14Pro)

Genes: RELB (RELB proto-oncogene, NF-kB subunit; plus strand), LOC130064661 (ATAC-STARR-seq lymphoblastoid silent region 10746; plus strand). Cytogenetic location: 19q13.32.
Variant type: single nucleotide variant.
Coding change: c.40A>C on transcript NM_006509.4 (MANE Select); coding-DNA position 40, A replaced by C.
Protein change: p.Thr14Pro; replaces threonine 14 with proline.
Molecular consequence: missense variant.
Genome position (GRCh38, 1-based): chr19:45,001,619, A>C. VCF-style: chr19-45001619-A-C. GRCh37 (hg19) VCF-style: chr19-45504877-A-C.
Other names: short protein forms T14P.
Identifiers: ClinVar variation 1347555 (VCV001347555.8), dbSNP rs892814300, ClinGen allele CA308925619.